The following is an entry in ClinVar:

ClinVar aggregate classification (germline): Uncertain significance (1 of 4 stars; one submission).

Conditions:
Charcot-Marie-Tooth disease type 2. Also called: Charcot-Marie-Tooth type 2. Identifiers: Orphanet 64746, MedGen C0270914, MONDO:0018993.

Submission:

Labcorp Genetics (formerly Invitae), Labcorp
Classification: Uncertain significance for Charcot-Marie-Tooth disease type 2. Last evaluated: 2022-07-05. Review status: criteria provided, single submitter. Criteria: Invitae Variant Classification Sherloc (09022015). Collection method: clinical testing. Allele origin: germline.
Comment: Algorithms developed to predict the effect of missense changes on protein structure and function are either unavailable or do not agree on the potential impact of this missense change (SIFT: "Tolerated"; PolyPhen-2: "Probably Damaging"; Align-GVGD: "Class C0"). In summary, the available evidence is currently insufficient to determine the role of this variant in disease. Therefore, it has been classified as a Variant of Uncertain Significance. This variant has not been reported in the literature in individuals affected with MED25-related conditions. This variant is present in population databases (no rsID available, gnomAD 0.0009%). This sequence change replaces histidine, which is basic and polar, with tyrosine, which is neutral and polar, at codon 38 of the MED25 protein (p.His38Tyr).

NM_030973.4(MED25):c.112C>T (p.His38Tyr)

Gene: MED25 (mediator complex subunit 25; plus strand). Cytogenetic location: 19q13.33.
Variant type: single nucleotide variant.
Coding change: c.112C>T on transcript NM_030973.4 (MANE Select); coding-DNA position 112, C replaced by T.
Protein change: p.His38Tyr; replaces histidine 38 with tyrosine.
Molecular consequence: missense variant.
Genome position (GRCh38, 1-based): chr19:49,818,453, C>T. VCF-style: chr19-49818453-C-T. GRCh37 (hg19) VCF-style: chr19-50321710-C-T.
Other names: c.112C>T, p.His38Tyr (NM_001378355.1); short protein forms H38Y.
Identifiers: ClinVar variation 2200229 (VCV002200229.4), dbSNP rs1191519479, ClinGen allele CA406908681.